The following is an entry in ClinVar:

ClinVar aggregate classification (germline): Uncertain significance (1 of 4 stars; one submission).

Submission:

Labcorp Genetics (formerly Invitae), Labcorp
Classification: Uncertain significance. Last evaluated: 2019-11-05. Review status: criteria provided, single submitter. Criteria: Invitae Variant Classification Sherloc (09022015). Collection method: clinical testing. Allele origin: germline.
Comment: This sequence change replaces proline with leucine at codon 731 of the COL9A1 protein (p.Pro731Leu). The proline residue is moderately conserved and there is a moderate physicochemical difference between proline and leucine. This variant is not present in population databases (ExAC no frequency). This variant has not been reported in the literature in individuals with COL9A1-related conditions. Algorithms developed to predict the effect of missense changes on protein structure and function are either unavailable or do not agree on the potential impact of this missense change (SIFT: "Deleterious"; PolyPhen-2: "Benign"; Align-GVGD: "Class C0"). In summary, the available evidence is currently insufficient to determine the role of this variant in disease. Therefore, it has been classified as a Variant of Uncertain Significance.

NM_001851.6(COL9A1):c.2192C>T (p.Pro731Leu)

Gene: COL9A1 (collagen type IX alpha 1 chain; minus strand). Cytogenetic location: 6q13.
Variant type: single nucleotide variant.
Coding change: c.2192C>T on transcript NM_001851.6 (MANE Select); coding-DNA position 2192, C replaced by T.
Protein change: p.Pro731Leu; replaces proline 731 with leucine.
Molecular consequence: missense variant. On other transcripts: non-coding transcript variant (1), intron variant (1).
Genome position (GRCh38, 1-based): chr6:70,234,861, G>A on the plus strand (C>T on the coding strand, the complement: COL9A1 is on the minus strand). VCF-style: chr6-70234861-G-A. GRCh37 (hg19) VCF-style: chr6-70944564-G-A.
Other names: c.1493C>T, p.Pro498Leu (NM_001377289.1); c.1463C>T, p.Pro488Leu (NM_078485.4); c.1384-268C>T (NM_001377290.1); short protein forms P731L, P488L, P498L.
Identifiers: ClinVar variation 971090 (VCV000971090.9), dbSNP rs1769801422, ClinGen allele CA364673266.
Genomic context (GRCh38, chr6:70,234,861, plus strand): 5'-CCCTGGACACCAGGCAGGCCGGTGGCACCCTGTTCTCCCTGCACACCCCGGGGTCCAGGT[G>A]GTCCTCTTGGTCCTTCCACTCCAGGAAGCCCCCGACTTCCCTCAGGCCCTCTCAAGCCAG-3'
Protein context (NP_001842.3, residues 721-741): GLPGVEGPRG[Pro731Leu]PGPRGVQGEQ